The following is an entry in ClinVar:

ClinVar aggregate classification (germline): Uncertain significance. Review status: criteria provided, multiple submitters, no conflicts (2 of 4 stars). 2 submissions from 2 submitters: Uncertain significance (2). Last evaluated 2026-03-29.

Conditions:
Familial cancer of breast. Also called: BREAST CANCER, FAMILIAL; Hereditary breast cancer; hereditary breast carcinoma. Identifiers: Orphanet 227535, MedGen C0346153, MONDO:0016419, OMIM 114480. Disease mechanism: loss of function.
Fanconi anemia complementation group J. Also called: BRIP1-Related Fanconi Anemia. Identifiers: Orphanet 84, MedGen C1836860, MONDO:0012187, OMIM 609054.
Hereditary cancer-predisposing syndrome. Also called: Tumor predisposition; Neoplastic Syndromes, Hereditary; Hereditary Cancer Syndrome; Hereditary neoplastic syndrome. Identifiers: Orphanet 140162, MedGen C0027672, MeSH D009386, MONDO:0015356.

Allele frequency attached by ClinVar (database versions not stated): gnomAD exomes below 0.00001.
gnomAD v4.1: 1 of 1,610,666 alleles (0.000062%); highest among the groups gnomAD compares: Non-Finnish European, 0.000085%; no homozygotes.

Submissions (2):

Ambry Genetics
Classification: Uncertain significance for Hereditary cancer-predisposing syndrome. Last evaluated: 2026-03-29. Review status: criteria provided, single submitter. Criteria: Ambry Variant Classification Scheme 2023. Collection method: clinical testing. Allele origin: germline.
Comment: The p.S614T variant (also known as c.1840T>A), located in coding exon 12 of the BRIP1 gene, results from a T to A substitution at nucleotide position 1840. The serine at codon 614 is replaced by threonine, an amino acid with similar properties. This amino acid position is conserved. In addition, this alteration is predicted to be deleterious by in silico analysis. Based on the available evidence, the clinical significance of this variant remains unclear.

Labcorp Genetics (formerly Invitae), Labcorp
Classification: Uncertain significance for Familial cancer of breast; Fanconi anemia complementation group J. Last evaluated: 2021-08-28. Review status: criteria provided, single submitter. Criteria: Invitae Variant Classification Sherloc (09022015). Collection method: clinical testing. Allele origin: germline.
Comment: This sequence change replaces serine with threonine at codon 614 of the BRIP1 protein (p.Ser614Thr). The serine residue is highly conserved and there is a small physicochemical difference between serine and threonine. This variant is not present in population databases (ExAC no frequency). This variant has not been reported in the literature in individuals affected with BRIP1-related conditions. Algorithms developed to predict the effect of missense changes on protein structure and function are either unavailable or do not agree on the potential impact of this missense change (SIFT: "Deleterious"; PolyPhen-2: "Probably Damaging"; Align-GVGD: "Class C0"). In summary, the available evidence is currently insufficient to determine the role of this variant in disease. Therefore, it has been classified as a Variant of Uncertain Significance.

NM_032043.3(BRIP1):c.1840T>A (p.Ser614Thr)

Gene: BRIP1 (BRCA1 interacting DNA helicase 1; minus strand). Cytogenetic location: 17q23.2.
Variant type: single nucleotide variant.
Coding change: c.1840T>A on transcript NM_032043.3 (MANE Select); coding-DNA position 1840, T replaced by A.
Protein change: p.Ser614Thr; replaces serine 614 with threonine.
Molecular consequence: missense variant.
Genome position (GRCh38, 1-based): chr17:61,780,356, A>T on the plus strand (T>A on the coding strand, the complement: BRIP1 is on the minus strand). VCF-style: chr17-61780356-A-T. GRCh37 (hg19) VCF-style: chr17-59857717-A-T.
Other names: c.1840T>A (NM_032043.2); short protein forms S614T.
Identifiers: ClinVar variation 1474857 (VCV001474857.7), dbSNP rs2145079541, ClinGen allele CA400480139.